The following is an entry in ClinVar:

NM_001388308.1(KIF12):c.1403G>A (p.Arg468His)

Gene: KIF12 (kinesin family member 12; minus strand). Cytogenetic location: 9q32.
Variant type: single nucleotide variant.
Coding change: c.1403G>A on transcript NM_001388308.1 (MANE Select); coding-DNA position 1403, G replaced by A.
Protein change: p.Arg468His; replaces arginine 468 with histidine.
Molecular consequence: missense variant.
Genome position (GRCh38, 1-based): chr9:114,093,495, C>T on the plus strand (G>A on the coding strand, the complement: KIF12 is on the minus strand). VCF-style: chr9-114093495-C-T. GRCh37 (hg19) VCF-style: chr9-116855775-C-T.
Other names: c.989G>A, p.Arg330His (NM_138424.2); short protein forms R330H, R468H.
Identifiers: ClinVar variation 2636108 (VCV002636108.3), dbSNP rs372317733, ClinGen allele CA5200492.

ClinVar aggregate classification (germline): Uncertain significance. Review status: criteria provided, multiple submitters, no conflicts (2 of 4 stars). 3 submissions from 3 submitters: Uncertain significance (3). Last evaluated 2024-01-30.

Conditions:
Inborn genetic diseases. Identifiers: MedGen C0950123, MeSH D030342.
KIF12-related disorder. Also called: KIF12-related condition.

Allele frequency attached by ClinVar (database versions not stated): gnomAD exomes 0.00004; ESP Exome Variant Server 0.00008; ExAC 0.00009; TOPMed 0.00015; gnomAD 0.00018.
gnomAD v4.1: 78 of 1,555,486 alleles (0.005%); highest among the groups gnomAD compares: African/African-American, 0.053%; no homozygotes.

Submissions (3):

Ambry Genetics
Classification: Uncertain significance for Inborn genetic diseases. Last evaluated: 2024-01-30. Review status: criteria provided, single submitter. Criteria: Ambry Variant Classification Scheme 2023. Collection method: clinical testing. Allele origin: germline.

PreventionGenetics, part of Exact Sciences
Classification: Uncertain significance for KIF12-related condition. Last evaluated: 2023-10-02. Review status: criteria provided, single submitter. Criteria: ACMG Guidelines, 2015. Collection method: clinical testing. Allele origin: germline.
Comment: The KIF12 c.989G>A variant is predicted to result in the amino acid substitution p.Arg330His. To our knowledge, this variant has not been reported in the literature. This variant is reported in 0.095% of alleles in individuals of African descent in gnomAD. Although we suspect that this variant may be benign, at this time, the clinical significance of this variant is uncertain due to the absence of conclusive functional and genetic evidence.

Breakthrough Genomics
Classification: Uncertain significance. Review status: criteria provided, single submitter. Criteria: ACMG Guidelines, 2015. Collection method: not provided. Allele origin: germline. Inheritance: Autosomal recessive inheritance. Affected: yes.